The following is an entry in ClinVar:

ClinVar aggregate classification (germline): Likely pathogenic (1 of 4 stars; one submission).

Submission:

Labcorp Genetics (formerly Invitae), Labcorp
Classification: Likely pathogenic. Last evaluated: 2024-01-24. Review status: criteria provided, single submitter. Criteria: Invitae Variant Classification Sherloc (09022015). Collection method: clinical testing. Allele origin: germline.
Comment: This sequence change affects a donor splice site in intron 8 of the NAA15 gene. It is expected to disrupt RNA splicing. Variants that disrupt the donor or acceptor splice site typically lead to a loss of protein function (PMID: 16199547), and loss-of-function variants in NAA15 are known to be pathogenic (PMID: 28191889, 29656860). This variant is not present in population databases (gnomAD no frequency). This variant has not been reported in the literature in individuals affected with NAA15-related conditions. Algorithms developed to predict the effect of sequence changes on RNA splicing suggest that this variant may disrupt the consensus splice site. In summary, the currently available evidence indicates that the variant is pathogenic, but additional data are needed to prove that conclusively. Therefore, this variant has been classified as Likely Pathogenic.

Literature cited by the submitters: PubMed 16199547; PubMed 28191889; PubMed 29656860.

NM_057175.5(NAA15):c.907+1G>A

Gene: NAA15 (N-alpha-acetyltransferase 15, NatA auxiliary subunit; plus strand). Cytogenetic location: 4q31.1.
Variant type: single nucleotide variant.
Coding change: c.907+1G>A on transcript NM_057175.5 (MANE Select); the canonical splice donor site of the intron after coding-DNA position 907, G replaced by A.
Molecular consequence: splice donor variant.
Genome position (GRCh38, 1-based): chr4:139,351,287, G>A. VCF-style: chr4-139351287-G-A. GRCh37 (hg19) VCF-style: chr4-140272441-G-A.
Other names: c.907+1G>A (NM_001410842.1).
Identifiers: ClinVar variation 2697281 (VCV002697281.3), dbSNP rs2530396366, ClinGen allele CA358261387.